The following is an entry in ClinVar:

ClinVar aggregate classification (germline): Pathogenic (1 of 4 stars; one submission).

Conditions:
Hereditary spastic paraplegia 11. Also called: SPASTIC PARAPLEGIA, AUTOSOMAL RECESSIVE, COMPLICATED, WITH THIN CORPUS CALLOSUM; SPASTIC PARAPLEGIA, AUTOSOMAL RECESSIVE, WITH MENTAL IMPAIRMENT AND THIN CORPUS CALLOSUM; Nakamura Osame syndrome; Autosomal recessive hereditary spastic paraplegia, mental impairment, and thin corpus callosum; Spastic paraplegia, mental retardation and thin corpus callosum; Spastic Paraplegia 11. Identifiers: Orphanet 2822, MedGen C1858479, MONDO:0011445, OMIM 604360.

Submission:

Labcorp Genetics (formerly Invitae), Labcorp
Classification: Pathogenic for Spastic paraplegia 11, autosomal recessive. Last evaluated: 2019-06-27. Review status: criteria provided, single submitter. Criteria: Invitae Variant Classification Sherloc (09022015). Collection method: clinical testing. Allele origin: germline.
Comment: This sequence change is an SVA-mediated insertion in exon 8 of the SPG11 mRNA (c.1668_1669insSVA), causing a frameshift at codon 557 (p.Asn557fs). The exact size and sequence of the insertion cannot be determined by the current assay. However, the insertion is expected to result in an absent or disrupted protein product. Retrotransposon insertions including LINE1 (L1), Alu, and SVA (SINE-VNTR-Alu) have been reported to be disease-causing through disruption of either a coding region or splice site (PMID: 19763152, 20307669, 22406018). Although this variant has not been reported in the literature, loss-of-function variants in in SPG11 are known to be pathogenic (PMID: 19105190, 20110243, 22154821, 26556829) and other SVA-mediated insertions in SPG11 have been reported in the literature (PMID: 22237444). For these reasons, this variant has been classified as Pathogenic.

Literature cited by the submitters: PubMed 20307669; PubMed 26556829; PubMed 20110243; PubMed 22406018; PubMed 22154821; PubMed 19105190; PubMed 19763152; PubMed 22237444.

NM_025137.4(SPG11):c.1668_1669insSVAelement

Gene: SPG11 (SPG11 vesicle trafficking associated, spatacsin; minus strand). Cytogenetic location: 15q21.1.
Variant type: Insertion.
Coding change: c.1668_1669insSVAelement on transcript NM_025137.4; coding-DNA positions 1668 to 1669, an insertion.
Other names: NM_025137.3:c.1668_1669insSVA.
Identifiers: ClinVar variation 870240 (VCV000870240.1).